The following is an entry in ClinVar:

NM_001429.4(EP300):c.4920G>A (p.Glu1640=)

Gene: EP300 (EP300 lysine acetyltransferase; plus strand). Cytogenetic location: 22q13.2.
Variant type: single nucleotide variant.
Coding change: c.4920G>A on transcript NM_001429.4 (MANE Select); coding-DNA position 4920, G replaced by A.
Protein change: p.Glu1640=; no amino-acid change (glutamic acid 1640 retained).
Molecular consequence: synonymous variant.
Genome position (GRCh38, 1-based): chr22:41,176,387, G>A. VCF-style: chr22-41176387-G-A. GRCh37 (hg19) VCF-style: chr22-41572391-G-A.
Other names: c.4920G>A (NM_001429.3); c.4842G>A, p.Glu1614= (NM_001362843.2).
Identifiers: ClinVar variation 2747319 (VCV002747319.5), dbSNP rs765581834, ClinGen allele CA10253550.

ClinVar aggregate classification (germline): Benign. Review status: criteria provided, single submitter (1 of 4 stars). 2 submissions from 2 submitters: Benign (1). 1 of the submissions does not count toward it. Last evaluated 2023-08-14.

Conditions:
EP300-related disorder. Also called: EP300-related condition; EP300-related disorders.
Rubinstein-Taybi syndrome due to EP300 haploinsufficiency. Also called: EP300-Related Rubinstein-Taybi Syndrome; RUBINSTEIN-TAYBI SYNDROME 2. Identifiers: Orphanet 353284, Orphanet 783, MedGen C3150941, MONDO:0013364, OMIM 613684.

Allele frequency attached by ClinVar (database versions not stated): ExAC 0.00002.
gnomAD v4.1: 11 of 1,614,238 alleles (0.00068%); highest among the groups gnomAD compares: East Asian, 0.025%; no homozygotes.

Submissions (2):

Labcorp Genetics (formerly Invitae), Labcorp
Classification: Benign for Rubinstein-Taybi syndrome due to EP300 haploinsufficiency. Last evaluated: 2023-08-14. Review status: criteria provided, single submitter. Criteria: Invitae Variant Classification Sherloc (09022015). Collection method: clinical testing. Allele origin: germline.

PreventionGenetics, part of Exact Sciences
Classification: Likely benign for EP300-related condition. Last evaluated: 2022-08-29. Review status: no assertion criteria provided. Collection method: clinical testing. Allele origin: germline. Not counted in ClinVar's aggregate classification.
Comment: This variant is classified as likely benign based on ACMG/AMP sequence variant interpretation guidelines (Richards et al. 2015 PMID: 25741868, with internal and published modifications).